The following is an entry in ClinVar:

ClinVar aggregate classification (germline): Uncertain significance (1 of 4 stars; one submission).

Allele frequency attached by ClinVar (database versions not stated): TOPMed 0.00001.

Submission:

GeneDx
Classification: Uncertain significance. Last evaluated: 2023-12-11. Review status: criteria provided, single submitter. Criteria: GeneDx Variant Classification Process June 2021. Collection method: clinical testing. Allele origin: germline. Affected: yes.
Comment: Not observed at significant frequency in large population cohorts (gnomAD); In silico analysis supports that this missense variant does not alter protein structure/function; Has not been previously published as pathogenic or benign to our knowledge

NM_004100.5(EYA4):c.1016T>G (p.Leu339Arg)

Gene: EYA4 (EYA transcriptional coactivator and phosphatase 4; plus strand). Cytogenetic location: 6q23.2.
Variant type: single nucleotide variant.
Coding change: c.1016T>G on transcript NM_004100.5 (MANE Select); coding-DNA position 1016, T replaced by G.
Protein change: p.Leu339Arg; replaces leucine 339 with arginine.
Molecular consequence: missense variant.
Genome position (GRCh38, 1-based): chr6:133,481,508, T>G. VCF-style: chr6-133481508-T-G. GRCh37 (hg19) VCF-style: chr6-133802646-T-G.
Other names: c.854T>G, p.Leu285Arg (NM_001301012.2); c.1034T>G, p.Leu345Arg (NM_001301013.2); c.947T>G, p.Leu316Arg (NM_001370458.1, NM_172103.4); c.872T>G, p.Leu291Arg (NM_001370459.1); c.1016T>G, p.Leu339Arg (NM_172105.4); short protein forms L285R, L291R, L316R, L339R, L345R.
Identifiers: ClinVar variation 3253438 (VCV003253438.1), dbSNP rs1796215407.